The following is an entry in ClinVar:

NM_182914.3(SYNE2):c.5918G>C (p.Gly1973Ala)

Gene: SYNE2 (spectrin repeat containing nuclear envelope protein 2; plus strand). Cytogenetic location: 14q23.2.
Variant type: single nucleotide variant.
Coding change: c.5918G>C on transcript NM_182914.3 (MANE Select); coding-DNA position 5918, G replaced by C.
Protein change: p.Gly1973Ala; replaces glycine 1973 with alanine.
Molecular consequence: missense variant.
Genome position (GRCh38, 1-based): chr14:64,024,989, G>C. VCF-style: chr14-64024989-G-C. GRCh37 (hg19) VCF-style: chr14-64491707-G-C.
Other names: c.5918G>C, p.Gly1973Ala (NM_015180.6); short protein forms G1973A.
Identifiers: ClinVar variation 2788830 (VCV002788830.3), dbSNP rs779761878, ClinGen allele CA7220591.
Genomic context (GRCh38, chr14:64,024,989, plus strand): 5'-GAAACCTGAGGAAGTGGTTGACTAATCAAGAAGAGAAATGGAAAGGAATGGAAGAACCAG[G>C]GGAGAAAACTGAGCTGTTCTGCCAAGCTTTAGCTAGAAAGAGGTATAGCTGATCTTGTAT-3'
Protein context (NP_878918.2, residues 1963-1983): EEKWKGMEEP[Gly1973Ala]EKTELFCQAL

ClinVar aggregate classification (germline): Uncertain significance (1 of 4 stars; one submission).

Conditions:
Emery-Dreifuss muscular dystrophy 5, autosomal dominant (EDMD5). Also called: EMERY-DREIFUSS MUSCULAR DYSTROPHY 5. Identifiers: Orphanet 261, MedGen C2751805, MONDO:0013072, OMIM 612999.

Allele frequency attached by ClinVar (database versions not stated): ExAC 0.00001.

Submission:

Labcorp Genetics (formerly Invitae), Labcorp
Classification: Uncertain significance for Emery-Dreifuss muscular dystrophy 5, autosomal dominant. Last evaluated: 2023-11-24. Review status: criteria provided, single submitter. Criteria: Invitae Variant Classification Sherloc (09022015). Collection method: clinical testing. Allele origin: germline.
Comment: This sequence change replaces glycine, which is neutral and non-polar, with alanine, which is neutral and non-polar, at codon 1973 of the SYNE2 protein (p.Gly1973Ala). This variant is present in population databases (rs779761878, gnomAD 0.0009%). This variant has not been reported in the literature in individuals affected with SYNE2-related conditions. An algorithm developed to predict the effect of missense changes on protein structure and function (PolyPhen-2) suggests that this variant is likely to be tolerated. In summary, the available evidence is currently insufficient to determine the role of this variant in disease. Therefore, it has been classified as a Variant of Uncertain Significance.